The following is an entry in ClinVar:

ClinVar aggregate classification (germline): Uncertain significance. Review status: criteria provided, multiple submitters, no conflicts (2 of 4 stars). 3 submissions from 3 submitters: Uncertain significance (3). Last evaluated 2025-05-21.

Conditions:
Hereditary cancer-predisposing syndrome. Also called: Hereditary Cancer Syndrome; Tumor predisposition; Neoplastic Syndromes, Hereditary; Hereditary neoplastic syndrome. Identifiers: Orphanet 140162, MedGen C0027672, MeSH D009386, MONDO:0015356.
Gorlin syndrome. Also called: Basal cell nevus syndrome; Nevoid Basal Cell Carcinoma Syndrome. Identifiers: Orphanet 377, MedGen C0004779, MONDO:0007187.

Allele frequency attached by ClinVar (database versions not stated): gnomAD exomes below 0.00001.
gnomAD v4.1: 5 of 1,614,048 alleles (0.00031%); highest among the groups gnomAD compares: Non-Finnish European, 0.00042%; no homozygotes.

Submissions (3):

Labcorp Genetics (formerly Invitae), Labcorp
Classification: Uncertain significance for Gorlin syndrome. Last evaluated: 2025-05-21. Review status: criteria provided, single submitter. Criteria: Invitae Variant Classification Sherloc (09022015). Collection method: clinical testing. Allele origin: germline.
Comment: This sequence change replaces histidine, which is basic and polar, with aspartic acid, which is acidic and polar, at codon 671 of the PTCH1 protein (p.His671Asp). This variant is not present in population databases (gnomAD no frequency). This variant has not been reported in the literature in individuals affected with PTCH1-related conditions. ClinVar contains an entry for this variant (Variation ID: 651230). Invitae Evidence Modeling of protein sequence and biophysical properties (such as structural, functional, and spatial information, amino acid conservation, physicochemical variation, residue mobility, and thermodynamic stability) indicates that this missense variant is not expected to disrupt PTCH1 protein function with a negative predictive value of 95%. In summary, the available evidence is currently insufficient to determine the role of this variant in disease. Therefore, it has been classified as a Variant of Uncertain Significance.

Ambry Genetics
Classification: Uncertain significance for Hereditary cancer-predisposing syndrome. Last evaluated: 2025-05-16. Review status: criteria provided, single submitter. Criteria: Ambry Variant Classification Scheme 2023. Collection method: clinical testing. Allele origin: germline.
Comment: The p.H671D variant (also known as c.2011C>G), located in coding exon 14 of the PTCH1 gene, results from a C to G substitution at nucleotide position 2011. The histidine at codon 671 is replaced by aspartic acid, an amino acid with similar properties. This amino acid position is well conserved in available vertebrate species. In addition, the in silico prediction for this alteration is inconclusive. Since supporting evidence is limited at this time, the clinical significance of this alteration remains unclear.

Quest Diagnostics Nichols Institute San Juan Capistrano
Classification: Uncertain significance. Last evaluated: 2021-07-09. Review status: criteria provided, single submitter. Criteria: Quest Diagnostics criteria. Collection method: clinical testing. Allele origin: unknown.

NM_000264.5(PTCH1):c.2011C>G (p.His671Asp)

Genes: PTCH1 (patched 1; minus strand), LOC100507346 (uncharacterized LOC100507346; plus strand). Cytogenetic location: 9q22.32.
Variant type: single nucleotide variant.
Coding change: c.2011C>G on transcript NM_000264.5 (MANE Select); coding-DNA position 2011, C replaced by G.
Protein change: p.His671Asp; replaces histidine 671 with aspartic acid.
Molecular consequence: missense variant. On other transcripts: non-coding transcript variant (2).
Genome position (GRCh38, 1-based): chr9:95,468,990, G>C on the plus strand (C>G on the coding strand, the complement: PTCH1 is on the minus strand). VCF-style: chr9-95468990-G-C. GRCh37 (hg19) VCF-style: chr9-98231272-G-C.
Other names: c.1813C>G, p.His605Asp (NM_001083602.3); c.2008C>G, p.His670Asp (NM_001083603.3); c.1558C>G, p.His520Asp (NM_001083604.3, NM_001083605.3, NM_001083606.3 and 1 more transcripts); c.1855C>G, p.His619Asp (NM_001354918.2); short protein forms H670D, H520D, H605D, H671D, H619D.
Identifiers: ClinVar variation 651230 (VCV000651230.13), dbSNP rs376678753, ClinGen allele CA374115845.
Genomic context (GRCh38, chr9:95,468,990, plus strand): 5'-TGACGGGCTGCACAGAGATCTCGGAGCGCGGCTCAGCGGTGGTGTAGTACACGTGCGTGT[G>C]GGGGTCGTACTCCGTGCGGAGCTGGACAGTGGACTGCATGGTAATCTGCGTTTCATGGGC-3'
Protein context (NP_000255.2, residues 661-681): TVQLRTEYDP[His671Asp]THVYYTTAEP